The following is an entry in ClinVar:

NM_001042492.3(NF1):c.4819T>G (p.Tyr1607Asp)

Gene: NF1 (neurofibromin 1; plus strand). Cytogenetic location: 17q11.2.
Variant type: single nucleotide variant.
Coding change: c.4819T>G on transcript NM_001042492.3 (MANE Select); coding-DNA position 4819, T replaced by G.
Protein change: p.Tyr1607Asp; replaces tyrosine 1607 with aspartic acid.
Molecular consequence: missense variant.
Genome position (GRCh38, 1-based): chr17:31,265,323, T>G. VCF-style: chr17-31265323-T-G. GRCh37 (hg19) VCF-style: chr17-29592341-T-G.
Other names: c.4756T>G, p.Tyr1586Asp (NM_000267.4); short protein forms Y1586D, Y1607D.
Identifiers: ClinVar variation 3634564 (VCV003634564.2).

ClinVar aggregate classification (germline): Uncertain significance (1 of 4 stars; one submission).

Conditions:
Neurofibromatosis, type 1 (NF1). Also called: VON RECKLINGHAUSEN DISEASE; Peripheral type neurofibromatosis; NEUROFIBROMATOSIS, TYPE I, SOMATIC; Neurofibromatosis, type I. Identifiers: Orphanet 636, MedGen C0027831, MONDO:0018975, OMIM 162200. Disease mechanism: loss of function.

Submission:

Labcorp Genetics (formerly Invitae), Labcorp
Classification: Uncertain significance for Neurofibromatosis, type 1. Last evaluated: 2024-04-09. Review status: criteria provided, single submitter. Criteria: Invitae Variant Classification Sherloc (09022015). Collection method: clinical testing. Allele origin: germline.
Comment: This sequence change replaces tyrosine, which is neutral and polar, with aspartic acid, which is acidic and polar, at codon 1586 of the NF1 protein (p.Tyr1586Asp). This variant is not present in population databases (gnomAD no frequency). This variant has not been reported in the literature in individuals affected with NF1-related conditions. Advanced modeling of protein sequence and biophysical properties (such as structural, functional, and spatial information, amino acid conservation, physicochemical variation, residue mobility, and thermodynamic stability) performed at Invitae indicates that this missense variant is expected to disrupt NF1 protein function with a positive predictive value of 95%. In summary, the available evidence is currently insufficient to determine the role of this variant in disease. Therefore, it has been classified as a Variant of Uncertain Significance.